The following is an entry in ClinVar:

NM_004304.5(ALK):c.563G>C (p.Arg188Pro)

Gene: ALK (ALK receptor tyrosine kinase; minus strand). Cytogenetic location: 2p23.1.
Variant type: single nucleotide variant.
Coding change: c.563G>C on transcript NM_004304.5 (MANE Select); coding-DNA position 563, G replaced by C.
Protein change: p.Arg188Pro; replaces arginine 188 with proline.
Molecular consequence: missense variant.
Genome position (GRCh38, 1-based): chr2:29,920,097, C>G on the plus strand (G>C on the coding strand, the complement: ALK is on the minus strand). VCF-style: chr2-29920097-C-G. GRCh37 (hg19) VCF-style: chr2-30142963-C-G.
Other names: c.563G>C (NM_004304.4); short protein forms R188P.
Identifiers: ClinVar variation 3241667 (VCV003241667.2), dbSNP rs770625956.

ClinVar aggregate classification (germline): Uncertain significance. Review status: criteria provided, multiple submitters, no conflicts (2 of 4 stars). 2 submissions from 2 submitters: Uncertain significance (2). Last evaluated 2024-09-09.

Conditions:
Hereditary cancer-predisposing syndrome. Also called: Hereditary Cancer Syndrome; Tumor predisposition; Neoplastic Syndromes, Hereditary; Hereditary neoplastic syndrome. Identifiers: Orphanet 140162, MedGen C0027672, MeSH D009386, MONDO:0015356.
Neuroblastoma, susceptibility to, 3. Also called: ALK-Related Neuroblastic Tumor Susceptibility. Identifiers: Orphanet 635, MedGen C2751681, MONDO:0013083, OMIM 613014.

Submissions (2):

Ambry Genetics
Classification: Uncertain significance for Hereditary cancer-predisposing syndrome. Last evaluated: 2024-09-09. Review status: criteria provided, single submitter. Criteria: Ambry Variant Classification Scheme 2023. Collection method: clinical testing. Allele origin: germline.
Comment: The p.R188P variant (also known as c.563G>C), located in coding exon 1 of the ALK gene, results from a G to C substitution at nucleotide position 563. The arginine at codon 188 is replaced by proline, an amino acid with dissimilar properties. This amino acid position is conserved. In addition, this alteration is predicted to be deleterious by in silico analysis. Based on the available evidence, the clinical significance of this variant remains unclear.

Baylor Genetics
Classification: Uncertain significance for Neuroblastoma, susceptibility to, 3. Last evaluated: 2024-02-06. Review status: criteria provided, single submitter. Criteria: ACMG Guidelines, 2015. Collection method: clinical testing. Allele origin: unknown.